The following is an entry in ClinVar:

NM_000038.6(APC):c.7670C>G (p.Ser2557Cys)

Gene: APC (APC regulator of Wnt signaling pathway; plus strand). Cytogenetic location: 5q22.2.
Variant type: single nucleotide variant.
Coding change: c.7670C>G on transcript NM_000038.6 (MANE Select); coding-DNA position 7670, C replaced by G.
Protein change: p.Ser2557Cys; replaces serine 2557 with cysteine.
Molecular consequence: missense variant.
Genome position (GRCh38, 1-based): chr5:112,843,264, C>G. VCF-style: chr5-112843264-C-G. GRCh37 (hg19) VCF-style: chr5-112178961-C-G.
Other names: c.7670C>G, p.Ser2557Cys (NM_001127510.3, NM_001354895.2); c.7616C>G, p.Ser2539Cys (NM_001127511.3); c.7724C>G, p.Ser2575Cys (NM_001354896.2); c.7700C>G, p.Ser2567Cys (NM_001354897.2); c.7595C>G, p.Ser2532Cys (NM_001354898.2); c.7586C>G, p.Ser2529Cys (NM_001354899.2); c.7547C>G, p.Ser2516Cys (NM_001354900.2); c.7493C>G, p.Ser2498Cys (NM_001354901.2); and 5 more; short protein forms S2274C, S2397C, S2431C, S2456C, S2466C, S2498C, S2516C, S2529C.
Identifiers: ClinVar variation 1171044 (VCV001171044.13), dbSNP rs1580685433, ClinGen allele CA16037994.

ClinVar aggregate classification (germline): Uncertain significance. Review status: criteria provided, multiple submitters, no conflicts (2 of 4 stars). 4 submissions from 4 submitters: Uncertain significance (4). Last evaluated 2024-11-19.

Conditions:
Hereditary cancer-predisposing syndrome. Also called: Tumor predisposition; Hereditary neoplastic syndrome; Hereditary Cancer Syndrome; Neoplastic Syndromes, Hereditary. Identifiers: Orphanet 140162, MedGen C0027672, MeSH D009386, MONDO:0015356.
Familial adenomatous polyposis 1 (FAP1). Also called: FAMILIAL ADENOMATOUS POLYPOSIS 1, ATTENUATED; POLYPOSIS, ADENOMATOUS INTESTINAL. Identifiers: MedGen C2713442, MONDO:0021056, OMIM 175100. Disease mechanism: loss of function.

Allele frequency attached by ClinVar (database versions not stated): gnomAD exomes below 0.00001.
gnomAD v4.1: 2 of 1,613,582 alleles (0.00012%); highest among the groups gnomAD compares: Admixed American, 0.0017%; no homozygotes.

Submissions (4):

Ambry Genetics
Classification: Uncertain significance for Hereditary cancer-predisposing syndrome. Last evaluated: 2024-11-19. Review status: criteria provided, single submitter. Criteria: Ambry Variant Classification Scheme 2023. Collection method: clinical testing. Allele origin: germline.
Comment: The p.S2557C variant (also known as c.7670C>G), located in coding exon 15 of the APC gene, results from a C to G substitution at nucleotide position 7670. The serine at codon 2557 is replaced by cysteine, an amino acid with dissimilar properties. This amino acid position is conserved. In addition, in silico predictors for this gene do not accurately predict pathogenicity. Based on the available evidence, the clinical significance of this variant remains unclear.

Color Diagnostics, LLC DBA Color Health
Classification: Uncertain significance for Hereditary cancer-predisposing syndrome. Last evaluated: 2024-03-06. Review status: criteria provided, single submitter. Criteria: ACMG Guidelines, 2015. Collection method: clinical testing. Allele origin: germline.
Comment: This missense variant replaces serine with cysteine at codon 2557 of the APC protein. Computational prediction is inconclusive regarding the impact of this variant on protein structure and function (internally defined REVEL score threshold 0.5 < inconclusive < 0.7, PMID: 27666373). To our knowledge, functional studies have not been reported for this variant. This variant has not been reported in individuals affected with hereditary cancer in the literature. This variant has not been identified in the general population by the Genome Aggregation Database (gnomAD). The available evidence is insufficient to determine the role of this variant in disease conclusively. Therefore, this variant is classified as a Variant of Uncertain Significance.

Sema4
Classification: Uncertain significance for Hereditary cancer-predisposing syndrome. Last evaluated: 2021-11-04. Review status: criteria provided, single submitter. Criteria: Sema4 Curation Guidelines. Collection method: curation. Allele origin: germline.
Comment: The APC c.7670C>G (p.S2557C) variant has not been reported in the literature to our knowledge. It was not observed in the large and broad cohorts of the Genome Aggregation Database. The variant has been reported in ClinVar (Variation ID 1171044). Functional studies have not been performed, and in silico predictions of the variant's effect on protein function are inconclusive. The evidence is insufficient to meet ACMG/AMP criteria for classifying the variant as benign or pathogenic. Thus, the clinical significance of this variant is currently uncertain.

Labcorp Genetics (formerly Invitae), Labcorp
Classification: Uncertain significance for Familial adenomatous polyposis 1. Last evaluated: 2021-02-17. Review status: criteria provided, single submitter. Criteria: Invitae Variant Classification Sherloc (09022015). Collection method: clinical testing. Allele origin: germline.
Comment: This variant has not been reported in the literature in individuals with APC-related conditions. This variant is not present in population databases (ExAC no frequency). This sequence change replaces serine with cysteine at codon 2557 of the APC protein (p.Ser2557Cys). The serine residue is highly conserved and there is a moderate physicochemical difference between serine and cysteine. Algorithms developed to predict the effect of missense changes on protein structure and function (SIFT, PolyPhen-2, Align-GVGD) all suggest that this variant is likely to be disruptive, but these predictions have not been confirmed by published functional studies and their clinical significance is uncertain. In summary, the available evidence is currently insufficient to determine the role of this variant in disease. Therefore, it has been classified as a Variant of Uncertain Significance.